The following is an entry in ClinVar:

NM_006642.5(SDCCAG8):c.721T>A (p.Ser241Thr)

Gene: SDCCAG8 (SHH signaling and ciliogenesis regulator SDCCAG8; plus strand). Cytogenetic location: 1q43.
Variant type: single nucleotide variant.
Coding change: c.721T>A on transcript NM_006642.5 (MANE Select); coding-DNA position 721, T replaced by A.
Protein change: p.Ser241Thr; replaces serine 241 with threonine.
Molecular consequence: missense variant. On other transcripts: 5 prime UTR variant (3).
Genome position (GRCh38, 1-based): chr1:243,304,758, T>A. VCF-style: chr1-243304758-T-A. GRCh37 (hg19) VCF-style: chr1-243468060-T-A.
Other names: c.-392T>A (NM_001350246.2); c.-280T>A (NM_001350247.2); c.817T>A, p.Ser273Thr (NM_001350248.2); c.427T>A, p.Ser143Thr (NM_001350249.2); c.-557T>A (NM_001350251.2); short protein forms S143T, S241T, S273T.
Identifiers: ClinVar variation 3344427 (VCV003344427.1).

ClinVar aggregate classification (germline): Uncertain significance (0 of 4 stars; one submission).

Conditions:
SDCCAG8-related disorder. Also called: SDCCAG8-Related Disorders; SDCCAG8-related condition.

Submission:

PreventionGenetics, part of Exact Sciences
Classification: Uncertain significance for SDCCAG8-related condition. Last evaluated: 2024-09-06. Review status: no assertion criteria provided. Collection method: clinical testing. Allele origin: germline.
Comment: The SDCCAG8 c.721T>A variant is predicted to result in the amino acid substitution p.Ser241Thr. To our knowledge, this variant has not been reported in the literature or in a large population database, indicating this variant is rare. At this time, the clinical significance of this variant is uncertain due to the absence of conclusive functional and genetic evidence.